The following is an entry in ClinVar:

NM_032383.5(HPS3):c.1586T>G (p.Val529Gly)

Gene: HPS3 (HPS3 biogenesis of lysosomal organelles complex 2 subunit 1; plus strand). Cytogenetic location: 3q24.
Variant type: single nucleotide variant.
Coding change: c.1586T>G on transcript NM_032383.5 (MANE Select); coding-DNA position 1586, T replaced by G.
Protein change: p.Val529Gly; replaces valine 529 with glycine.
Molecular consequence: missense variant.
Genome position (GRCh38, 1-based): chr3:149,157,426, T>G. VCF-style: chr3-149157426-T-G. GRCh37 (hg19) VCF-style: chr3-148875213-T-G.
Other names: c.1091T>G, p.Val364Gly (NM_001308258.2); short protein forms V364G, V529G.
Identifiers: ClinVar variation 1439692 (VCV001439692.6), dbSNP rs145586365, ClinGen allele CA2660129.

ClinVar aggregate classification (germline): Uncertain significance (1 of 4 stars; one submission).

Allele frequency attached by ClinVar (database versions not stated): gnomAD exomes below 0.00001; TOPMed below 0.00001; ExAC 0.00001; gnomAD 0.00001; ESP Exome Variant Server 0.00008.
gnomAD v4.1: 3 of 1,613,806 alleles (0.00019%); highest among the groups gnomAD compares: Non-Finnish European, 0.00017%; no homozygotes.

Submission:

Labcorp Genetics (formerly Invitae), Labcorp
Classification: Uncertain significance. Last evaluated: 2025-10-21. Review status: criteria provided, single submitter. Criteria: Invitae Variant Classification Sherloc (09022015). Collection method: clinical testing. Allele origin: germline.
Comment: This sequence change replaces valine, which is neutral and non-polar, with glycine, which is neutral and non-polar, at codon 529 of the HPS3 protein (p.Val529Gly). This variant is present in population databases (rs145586365, gnomAD 0.0009%). This variant has not been reported in the literature in individuals affected with HPS3-related conditions. ClinVar contains an entry for this variant (Variation ID: 1439692). Invitae Evidence Modeling of protein sequence and biophysical properties (such as structural, functional, and spatial information, amino acid conservation, physicochemical variation, residue mobility, and thermodynamic stability) indicates that this missense variant is expected to disrupt HPS3 protein function with a positive predictive value of 80%. In summary, the available evidence is currently insufficient to determine the role of this variant in disease. Therefore, it has been classified as a Variant of Uncertain Significance.